The following is an entry in ClinVar:

NM_001351132.2(PEX5):c.*9C>T

Gene: PEX5 (peroxisomal biogenesis factor 5; plus strand). Cytogenetic location: 12p13.31.
Variant type: single nucleotide variant.
Coding change: c.*9C>T on transcript NM_001351132.2 (MANE Select); 9 bases downstream of the stop codon, C replaced by T.
Molecular consequence: 3 prime UTR variant.
Genome position (GRCh38, 1-based): chr12:7,210,232, C>T. VCF-style: chr12-7210232-C-T. GRCh37 (hg19) VCF-style: chr12-7362828-C-T.
Other names: c.*9C>T (NM_001131024.2, NM_001131025.2, NM_001131026.2 and 22 more transcripts).
Identifiers: ClinVar variation 3032985 (VCV003032985.3), dbSNP rs756039747, ClinGen allele CA6426626.

ClinVar aggregate classification (germline): Likely benign. Review status: criteria provided, single submitter (1 of 4 stars). 2 submissions from 2 submitters: Likely benign (1). 1 of the submissions does not count toward it. Last evaluated 2024-04-08.

Conditions:
PEX5-related disorder. Also called: PEX5-related condition; PEX5-Related Disorders.

Allele frequency attached by ClinVar (database versions not stated): ExAC 0.00003; gnomAD 0.00003; TOPMed 0.00003.
gnomAD v4.1: 39 of 1,613,146 alleles (0.0024%); highest among the groups gnomAD compares: South Asian, 0.0077%; 1 homozygote.

Submissions (2):

Blueprint Genetics
Classification: Likely benign. Last evaluated: 2024-04-08. Review status: criteria provided, single submitter. Criteria: ACMG Guidelines, 2015. Collection method: clinical testing. Allele origin: germline.

PreventionGenetics, part of Exact Sciences
Classification: Likely benign for PEX5-related condition. Last evaluated: 2022-01-26. Review status: no assertion criteria provided. Collection method: clinical testing. Allele origin: germline. Not counted in ClinVar's aggregate classification.
Comment: This variant is classified as likely benign based on ACMG/AMP sequence variant interpretation guidelines (Richards et al. 2015 PMID: 25741868, with internal and published modifications).